The following is an entry in ClinVar:

ClinVar aggregate classification (germline): Benign. Review status: criteria provided, multiple submitters, no conflicts (2 of 4 stars). 2 submissions from 2 submitters: Benign (2). Last evaluated 2018-01-12.

Conditions:
Congenital lactic acidosis, Saguenay-Lac-Saint-Jean type (MC4DN5). Also called: CYTOCHROME c OXIDASE DEFICIENCY, FRENCH CANADIAN TYPE; COX DEFICIENCY, FRENCH CANADIAN TYPE; MITOCHONDRIAL COMPLEX IV DEFICIENCY, NUCLEAR TYPE 5. Identifiers: Orphanet 70472, MedGen C1857355, MONDO:0009069, OMIM 220111.

Allele frequency attached by ClinVar (database versions not stated): 1000 Genomes Project 0.60064; 1000 Genomes Project 30x 0.60072; gnomAD 0.63748; TOPMed 0.64171.

Submissions (2):

Illumina Laboratory Services, Illumina
Classification: Benign for Congenital lactic acidosis, Saguenay-Lac-Saint-Jean type. Last evaluated: 2018-01-12. Review status: criteria provided, single submitter. Criteria: ICSL Variant Classification Criteria 13 December 2019. Collection method: clinical testing. Allele origin: germline.
Comment: This variant was observed in the ICSL laboratory as part of a predisposition screen in an ostensibly healthy population. It had not been previously curated by ICSL or reported in the Human Gene Mutation Database (HGMD: prior to June 1st, 2018), and was therefore a candidate for classification through an automated scoring system. Utilizing variant allele frequency, disease prevalence and penetrance estimates, and inheritance mode, an automated score was calculated to assess if this variant is too frequent to cause the disease. Based on the score and internal cut-off values, a variant classified as benign is not then subjected to further curation. The score for this variant resulted in a classification of benign for this disease.

Breakthrough Genomics
Classification: Benign. Review status: criteria provided, single submitter. Criteria: ACMG Guidelines, 2015. Collection method: not provided. Allele origin: germline. Inheritance: Autosomal recessive inheritance. Affected: yes.

NM_133259.4(LRPPRC):c.*1665C>T

Gene: LRPPRC (leucine rich pentatricopeptide repeat containing; minus strand). Cytogenetic location: 2p21.
Variant type: single nucleotide variant.
Coding change: c.*1665C>T on transcript NM_133259.4 (MANE Select); 1665 bases downstream of the stop codon, C replaced by T.
Molecular consequence: 3 prime UTR variant.
Genome position (GRCh38, 1-based): chr2:43,886,935, G>A on the plus strand (C>T on the coding strand, the complement: LRPPRC is on the minus strand). VCF-style: chr2-43886935-G-A. GRCh37 (hg19) VCF-style: chr2-44114074-G-A.
Identifiers: ClinVar variation 336112 (VCV000336112.6), dbSNP rs1139250, ClinGen allele CA10613875.